The following is an entry in ClinVar:

ClinVar aggregate classification (germline): Conflicting classifications of pathogenicity. Review status: criteria provided, conflicting classifications (1 of 4 stars). 5 submissions from 4 submitters: Uncertain significance (3); Likely benign (2). Last evaluated 2025-11-17.

Conditions:
Landau-Kleffner syndrome (FESD). Also called: APHASIA, ACQUIRED, WITH EPILEPSY; EPILEPSY, FOCAL, WITH SPEECH DISORDER AND WITH OR WITHOUT MENTAL RETARDATION. Identifiers: Orphanet 1945, Orphanet 725, Orphanet 98818, MedGen C0282512, MONDO:0009509, OMIM 245570.

Allele frequency attached by ClinVar (database versions not stated): gnomAD exomes 0.00001 and 0.00004; gnomAD 0.00004 and 0.00005; ExAC 0.00005; TOPMed 0.00007; ESP Exome Variant Server 0.00008; 1000 Genomes Project 30x 0.00031; 1000 Genomes Project 0.00040.
gnomAD v4.1: 21 of 1,613,808 alleles (0.0013%); highest among the groups gnomAD compares: Admixed American, 0.017%; no homozygotes.

Submissions (5):

Labcorp Genetics (formerly Invitae), Labcorp
Classification: Likely benign for Landau-Kleffner syndrome. Last evaluated: 2025-11-17. Review status: criteria provided, single submitter. Criteria: Invitae Variant Classification Sherloc (09022015). Collection method: clinical testing. Allele origin: germline.

GeneDx
Classification: Likely benign. Last evaluated: 2021-03-18. Review status: criteria provided, single submitter. Criteria: GeneDx Variant Classification Process June 2021. Collection method: clinical testing. Allele origin: germline. Affected: yes.

New York Genome Center
Classification: Uncertain significance for Landau-Kleffner syndrome. Last evaluated: 2020-05-19. Review status: criteria provided, single submitter. Criteria: NYGC Assertion Criteria 2020. Collection method: clinical testing. Allele origin: inherited. Observed: 1 heterozygote. Study: CSER-NYCKidSeq.

New York Genome Center
Classification: Uncertain significance for Landau-Kleffner syndrome. Last evaluated: 2019-07-22. Review status: criteria provided, single submitter. Criteria: NYGC Assertion Criteria 2020. Collection method: clinical testing. Allele origin: germline. Observed: 1 heterozygote. Study: CSER-NYCKidSeq.
Comment: The c.3961G>C (p.Glu1321Gln) variant identified in the GRIN2A gene substitutes a conserved Glutamic acid for Glutamine at amino acid 1321/1465 (coding exon 13/13). This variant is identified in gnomAD (10 heterozygotes, 0 homozygoutes; allele frequency:3.985e-5), and ExAC (6 heterozygotes, 0 homozygotes; allele frequency: 4.956e-5). In silico algorithms predict this variant to be Neutral (Proven; score: -0.90) and Tolerated (SIFT; score: 0.244) to the function of the canonical transcript. This variant is reported as a Variant of Uncertain Significance in ClinVar (VarID: 205681; 2 stars), and to our current knowledge has not been reported in affected individuals in the literature. The p.Glu1321 residue is within the C-terminal domain of GRIN2A, which is involved in signal mediation [PMID: 30544257], however the C-terminal domain is not associated with an increased burden of pathogenic variants, and benign missense variants within this domain are found in healthy individuals in population databases. Given the lack of compelling evidence for the pathogenicity of this variant, the c.3961G>C (p.Glu1321Gln) variant is reported here as a Variant of Uncertain Significance.AS34

Athena Diagnostics
Classification: Uncertain significance. Last evaluated: 2018-12-27. Review status: criteria provided, single submitter. Criteria: Athena Diagnostics Criteria. Collection method: clinical testing. Allele origin: germline.

NM_001134407.3(GRIN2A):c.3961G>C (p.Glu1321Gln)

Gene: GRIN2A (glutamate ionotropic receptor NMDA type subunit 2A; minus strand). Cytogenetic location: 16p13.2.
Variant type: single nucleotide variant.
Coding change: c.3961G>C on transcript NM_001134407.3 (MANE Select); coding-DNA position 3961, G replaced by C.
Protein change: p.Glu1321Gln; replaces glutamic acid 1321 with glutamine.
Molecular consequence: missense variant. On other transcripts: intron variant (1).
Genome position (GRCh38, 1-based): chr16:9,763,583, C>G on the plus strand (G>C on the coding strand, the complement: GRIN2A is on the minus strand). VCF-style: chr16-9763583-C-G. GRCh37 (hg19) VCF-style: chr16-9857440-C-G.
Other names: p.E1321Q:GAG>CAG; c.3961G>C, p.Glu1321Gln (NM_000833.5); c.3773-155G>C (NM_001134408.2); short protein forms E1321Q.
Identifiers: ClinVar variation 205681 (VCV000205681.24), dbSNP rs370754278, ClinGen allele CA314994.